The following is an entry in ClinVar:

ClinVar aggregate classification (germline): Conflicting classifications of pathogenicity. Review status: criteria provided, conflicting classifications (1 of 4 stars). 2 submissions from 2 submitters: Uncertain significance (1); Likely benign (1). Last evaluated 2024-01-29.

Conditions:
Hereditary cancer-predisposing syndrome. Also called: Hereditary neoplastic syndrome; Neoplastic Syndromes, Hereditary; Tumor predisposition; Hereditary Cancer Syndrome. Identifiers: Orphanet 140162, MedGen C0027672, MeSH D009386, MONDO:0015356.
Ataxia-telangiectasia syndrome (AT). Also called: LOUIS-BAR SYNDROME; Cerebello-oculocutaneous telangiectasia; Immunodeficiency with ataxia telangiectasia; AT, COMPLEMENTATION GROUP C; Ataxia-telangiectasia, complementation group D; ATAXIA-TELANGIECTASIA, COMPLEMENTATION GROUP A. Identifiers: Orphanet 100, MedGen C0004135, MONDO:0008840, OMIM 208900.

Submissions (2):

Ambry Genetics
Classification: Likely benign for Hereditary cancer-predisposing syndrome. Last evaluated: 2024-01-29. Review status: criteria provided, single submitter. Criteria: Ambry Variant Classification Scheme 2023. Collection method: clinical testing. Allele origin: germline.

Labcorp Genetics (formerly Invitae), Labcorp
Classification: Uncertain significance for Ataxia-telangiectasia syndrome. Last evaluated: 2021-11-26. Review status: criteria provided, single submitter. Criteria: Invitae Variant Classification Sherloc (09022015). Collection method: clinical testing. Allele origin: germline.
Comment: Advanced modeling of protein sequence and biophysical properties (such as structural, functional, and spatial information, amino acid conservation, physicochemical variation, residue mobility, and thermodynamic stability) performed at Invitae indicates that this missense variant is not expected to disrupt ATM protein function. In summary, the available evidence is currently insufficient to determine the role of this variant in disease. Therefore, it has been classified as a Variant of Uncertain Significance. ClinVar contains an entry for this variant (Variation ID: 482557). This variant has not been reported in the literature in individuals affected with ATM-related conditions. This variant is not present in population databases (gnomAD no frequency). This sequence change replaces leucine, which is neutral and non-polar, with serine, which is neutral and polar, at codon 364 of the ATM protein (p.Leu364Ser).

NM_000051.4(ATM):c.1091T>C (p.Leu364Ser)

Gene: ATM (ATM serine/threonine kinase; plus strand). Cytogenetic location: 11q22.3.
Variant type: single nucleotide variant.
Coding change: c.1091T>C on transcript NM_000051.4 (MANE Select); coding-DNA position 1091, T replaced by C.
Protein change: p.Leu364Ser; replaces leucine 364 with serine.
Molecular consequence: missense variant.
Genome position (GRCh38, 1-based): chr11:108,248,958, T>C. VCF-style: chr11-108248958-T-C. GRCh37 (hg19) VCF-style: chr11-108119685-T-C.
Other names: c.1091T>C, p.Leu364Ser (NM_001351834.2); short protein forms L364S.
Identifiers: ClinVar variation 482557 (VCV000482557.11), dbSNP rs1555069575, ClinGen allele CA382532363.